The following is an entry in ClinVar:

NM_006279.5(ST3GAL3):c.209+9951G>A

Gene: ST3GAL3 (ST3 beta-galactoside alpha-2,3-sialyltransferase 3; plus strand). Cytogenetic location: 1p34.1.
Variant type: single nucleotide variant.
Coding change: c.209+9951G>A on transcript NM_006279.5 (MANE Select); 9951 bases into the intron after coding-DNA position 209, G replaced by A.
Molecular consequence: intron variant. On other transcripts: synonymous variant (4).
Genome position (GRCh38, 1-based): chr1:43,824,884, G>A. VCF-style: chr1-43824884-G-A. GRCh37 (hg19) VCF-style: chr1-44290556-G-A.
Other names: c.363G>A, p.Lys121= (NM_001363573.2, NM_174968.5); c.408G>A, p.Lys136= (NM_174963.5); c.315G>A, p.Lys105= (NM_174971.5); c.254+9951G>A (NM_001350619.2, NM_174964.4, NM_174965.4); c.206+9951G>A (NM_001270465.3, NM_001270463.3); c.-245+9951G>A (NM_001350621.2); c.209+9951G>A (NM_001350620.2, NM_001270459.2, NM_174966.4 and 2 more transcripts); c.161+9951G>A (NM_001410781.1, NM_174969.4, NM_001270461.3 and 4 more transcripts).
Identifiers: ClinVar variation 4281089 (VCV004281089.7).

ClinVar aggregate classification (germline): Likely benign (1 of 4 stars; one submission).

Submission:

CeGaT Center for Human Genetics Tuebingen
Classification: Likely benign. Last evaluated: 2025-09-01. Review status: criteria provided, single submitter. Criteria: CeGaT Center For Human Genetics Tuebingen Variant Classification Criteria Version 2. Collection method: clinical testing. Allele origin: germline. Affected: yes. Observed: 1 variant allele.
Comment: ST3GAL3: PM2:Supporting, BP4, BP7